The following is an entry in ClinVar:

NM_024537.4(CARS2):c.465+5A>C

Gene: CARS2 (cysteinyl-tRNA synthetase 2, mitochondrial; minus strand). Cytogenetic location: 13q34.
Variant type: single nucleotide variant.
Coding change: c.465+5A>C on transcript NM_024537.4 (MANE Select); 5 bases into the intron after coding-DNA position 465, A replaced by C.
Molecular consequence: intron variant.
Genome position (GRCh38, 1-based): chr13:110,687,942, T>G on the plus strand (A>C on the coding strand, the complement: CARS2 is on the minus strand). VCF-style: chr13-110687942-T-G. GRCh37 (hg19) VCF-style: chr13-111340289-T-G.
Other names: c.-535+5A>C (NM_001352252.2); c.465+5A>C (NM_001352253.3).
Identifiers: ClinVar variation 2683242 (VCV002683242.1), dbSNP rs2502135711, ClinGen allele CA2697551948.

ClinVar aggregate classification (germline): Uncertain significance (1 of 4 stars; one submission).

Submission:

Mayo Clinic Laboratories, Mayo Clinic
Classification: Uncertain significance. Last evaluated: 2022-09-28. Review status: criteria provided, single submitter. Criteria: ACMG Guidelines, 2015. Collection method: clinical testing. Allele origin: germline. Observed: 1 variant allele.
Comment: BP4, PM2